The following is an entry in ClinVar:

NM_000540.3(RYR1):c.14616_14621dup (p.Glu4872_Pro4873dup)

Gene: RYR1 (ryanodine receptor 1; plus strand). Cytogenetic location: 19q13.2.
Variant type: Duplication.
Coding change: c.14616_14621dup on transcript NM_000540.3 (MANE Select); coding-DNA positions 14616 to 14621, 6 bases duplicated (ACCTGA; older notation c.14616_14621dupACCTGA).
Protein change: p.Glu4872_Pro4873dup.
Molecular consequence: inframe insertion.
Genome position (GRCh38, 1-based): chr19:38,580,474-38,580,479, ACCTGA duplicated; duplicating any 6 consecutive bases within chr19:38,580,471-38,580,479 gives the same sequence; the c. name uses the placement nearest the transcript's 3' end. VCF-style (leftmost placement, unchanged base first): chr19-38580470-A-ATGAACC. GRCh37 (hg19) VCF-style: chr19-39071110-A-ATGAACC.
Other names: c.14601_14606dup, p.Glu4867_Pro4868dup (NM_001042723.2); c.14616_14621dupACCTGA (NM_000540.2, NM_000540.3).
Identifiers: ClinVar variation 423296 (VCV000423296.8), dbSNP rs1555804000, ClinGen allele CA16620841.

ClinVar aggregate classification (germline): Uncertain significance. Review status: criteria provided, multiple submitters, no conflicts (2 of 4 stars). 3 submissions from 3 submitters: Uncertain significance (3). Last evaluated 2024-06-10.

Conditions:
RYR1-related disorder. Also called: RYR1-related condition; RYR1-related disorders. Identifiers: MedGen CN239331.

Submissions (3):

Women's Health and Genetics/Laboratory Corporation of America, LabCorp
Classification: Uncertain significance. Last evaluated: 2024-06-10. Review status: criteria provided, single submitter. Criteria: LabCorp Variant Classification Summary - May 2015. Collection method: clinical testing. Allele origin: germline.
Comment: Variant summary: RYR1 c.14616_14621dupACCTGA (p.Glu4872_Pro4873dup) results in an in-frame duplication that is predicted to duplicate two amino acids into the encoded protein. The variant was absent in 251482 control chromosomes. The available data on variant occurrences in the general population are insufficient to allow any conclusion about variant significance. To our knowledge, no occurrence of c.14616_14621dupACCTGA in individuals affected with Myopathy, RYR1-Associated and no experimental evidence demonstrating its impact on protein function have been reported. ClinVar contains an entry for this variant (Variation ID: 423296). Based on the evidence outlined above, the variant was classified as uncertain significance.

Labcorp Genetics (formerly Invitae), Labcorp
Classification: Uncertain significance for RYR1-related disorder. Last evaluated: 2021-12-20. Review status: criteria provided, single submitter. Criteria: Invitae Variant Classification Sherloc (09022015). Collection method: clinical testing. Allele origin: germline.
Comment: This variant, c.14616_14621dup, results in the insertion of 2 amino acid(s) of the RYR1 protein (p.Glu4872_Pro4873dup), but otherwise preserves the integrity of the reading frame. This variant is not present in population databases (gnomAD no frequency). This variant has not been reported in the literature in individuals affected with RYR1-related conditions. ClinVar contains an entry for this variant (Variation ID: 423296). In summary, the available evidence is currently insufficient to determine the role of this variant in disease. Therefore, it has been classified as a Variant of Uncertain Significance.

GeneDx
Classification: Uncertain significance. Last evaluated: 2017-02-02. Review status: criteria provided, single submitter. Criteria: GeneDx Variant Classification (06012015). Collection method: clinical testing. Allele origin: germline. Affected: yes.
Comment: The c.14616_14621dupACCTGA variant has not been published as a pathogenic variant, nor has it been reported as a benign variant to our knowledge. This variant is not observed in large population cohorts (Lek et al., 2016; 1000 Genomes Consortium et al., 2015; Exome Variant Server). The c.14616_14621dupACCTGA variant results in an in-frame duplication of two amino acids, denoted p.Glu4872_Pro4873dup. This duplication is not predicted to cause loss of normal protein function through protein truncation or nonsense-mediated mRNA decay. However, other in-frame duplications have been previously reported in the Human Gene Mutation Database in association with RYR1-related disorders (Stenson et al., 2014).